The following is an entry in ClinVar:

NM_020987.5(ANK3):c.12896C>T (p.Pro4299Leu)

Gene: ANK3 (ankyrin 3; minus strand). Cytogenetic location: 10q21.2.
Variant type: single nucleotide variant.
Coding change: c.12896C>T on transcript NM_020987.5 (MANE Select); coding-DNA position 12896, C replaced by T.
Protein change: p.Pro4299Leu; replaces proline 4299 with leucine.
Molecular consequence: missense variant.
Genome position (GRCh38, 1-based): chr10:60,055,827, G>A on the plus strand (C>T on the coding strand, the complement: ANK3 is on the minus strand). VCF-style: chr10-60055827-G-A. GRCh37 (hg19) VCF-style: chr10-61815585-G-A.
Other names: c.2768C>T, p.Pro923Leu (NM_001149.4); c.5348C>T, p.Pro1783Leu (NM_001204403.2); c.5369C>T, p.Pro1790Leu (NM_001204404.2); c.5366C>T, p.Pro1789Leu (NM_001320874.2); short protein forms P4299L, P923L, P1783L, P1789L, P1790L.
Identifiers: ClinVar variation 4738347 (VCV004738347.1).

ClinVar aggregate classification (germline): Uncertain significance (1 of 4 stars; one submission).

gnomAD v4.1: 1 of 1,614,170 alleles (0.000062%); highest among the groups gnomAD compares: East Asian, 0.0022%; no homozygotes.

Submission:

Labcorp Genetics (formerly Invitae), Labcorp
Classification: Uncertain significance. Last evaluated: 2025-04-15. Review status: criteria provided, single submitter. Criteria: Invitae Variant Classification Sherloc (09022015). Collection method: clinical testing. Allele origin: germline.
Comment: This sequence change replaces proline, which is neutral and non-polar, with leucine, which is neutral and non-polar, at codon 4299 of the ANK3 protein (p.Pro4299Leu). This variant is present in population databases (no rsID available, gnomAD 0.006%). This variant has not been reported in the literature in individuals affected with ANK3-related conditions. Invitae Evidence Modeling of protein sequence and biophysical properties (such as structural, functional, and spatial information, amino acid conservation, physicochemical variation, residue mobility, and thermodynamic stability) indicates that this missense variant is not expected to disrupt ANK3 protein function with a negative predictive value of 80%. In summary, the available evidence is currently insufficient to determine the role of this variant in disease. Therefore, it has been classified as a Variant of Uncertain Significance.